The following is an entry in ClinVar:

ClinVar aggregate classification (germline): Uncertain significance (1 of 4 stars; one submission).

Submission:

GeneDx
Classification: Uncertain significance. Last evaluated: 2022-04-11. Review status: criteria provided, single submitter. Criteria: GeneDx Variant Classification Process June 2021. Collection method: clinical testing. Allele origin: germline. Affected: yes.
Comment: Not observed at significant frequency in large population cohorts (gnomAD); In-frame deletion of 1 amino acid in a non-repeat region; In silico analysis supports a deleterious effect on protein structure/function; Has not been previously published as pathogenic or benign to our knowledge

NM_006005.3(WFS1):c.1462_1464del (p.Phe488del)

Gene: WFS1 (wolframin ER transmembrane glycoprotein; plus strand). Cytogenetic location: 4p16.1.
Variant type: Deletion.
Coding change: c.1462_1464del on transcript NM_006005.3 (MANE Select); coding-DNA positions 1462 to 1464, 3 bases deleted (TTC; older notation c.1462_1464delTTC).
Protein change: p.Phe488del; deletes phenylalanine 488.
Molecular consequence: inframe deletion.
Genome position (GRCh38, 1-based): chr4:6,301,257-6,301,259, TTC deleted; deleting any 3 consecutive bases within chr4:6,301,256-6,301,259 gives the same sequence; the c. name uses the placement nearest the transcript's 3' end. VCF-style (leftmost placement, unchanged base first): chr4-6301255-CCTT-C. GRCh37 (hg19) VCF-style: chr4-6302982-CCTT-C.
Other names: c.1462_1464del, p.Phe488del (NM_001145853.1); short protein forms F488del.
Identifiers: ClinVar variation 1712192 (VCV001712192.2), dbSNP rs2474193935, ClinGen allele CA2580071770.